The following is an entry in ClinVar:

NM_001369268.1(ACAN):c.6881A>C (p.Lys2294Thr)

Gene: ACAN (aggrecan; plus strand). Cytogenetic location: 15q26.1.
Variant type: single nucleotide variant.
Coding change: c.6881A>C on transcript NM_001369268.1 (MANE Select); coding-DNA position 6881, A replaced by C.
Protein change: p.Lys2294Thr; replaces lysine 2294 with threonine.
Molecular consequence: missense variant. On other transcripts: intron variant (3).
Genome position (GRCh38, 1-based): chr15:88,860,374, A>C. VCF-style: chr15-88860374-A-C. GRCh37 (hg19) VCF-style: chr15-89403605-A-C.
Other names: c.6881A>C, p.Lys2294Thr (NM_013227.4); c.6832+957A>C (NM_001411097.1, NM_001411096.1, NM_001135.4); short protein forms K2294T.
Identifiers: ClinVar variation 2963181 (VCV002963181.3), dbSNP rs370618858, ClinGen allele CA7720514.

ClinVar aggregate classification (germline): Uncertain significance (1 of 4 stars; one submission).

Allele frequency attached by ClinVar (database versions not stated): TOPMed below 0.00001; gnomAD 0.00001; ExAC 0.00002; gnomAD exomes 0.00005; ESP Exome Variant Server 0.00008.
gnomAD v4.1: 71 of 1,613,472 alleles (0.0044%); highest among the groups gnomAD compares: Non-Finnish European, 0.0058%; no homozygotes.

Submission:

Labcorp Genetics (formerly Invitae), Labcorp
Classification: Uncertain significance. Last evaluated: 2023-04-15. Review status: criteria provided, single submitter. Criteria: Invitae Variant Classification Sherloc (09022015). Collection method: clinical testing. Allele origin: germline.
Comment: This variant is present in population databases (rs370618858, gnomAD 0.002%). This sequence change replaces lysine, which is basic and polar, with threonine, which is neutral and polar, at codon 2294 of the ACAN protein (p.Lys2294Thr). This variant has not been reported in the literature in individuals affected with ACAN-related conditions. An algorithm developed to predict the effect of missense changes on protein structure and function (PolyPhen-2) suggests that this variant is likely to be disruptive. In summary, the available evidence is currently insufficient to determine the role of this variant in disease. Therefore, it has been classified as a Variant of Uncertain Significance.